The following is an entry in ClinVar:

NM_152419.3(HGSNAT):c.1727-3A>C

Gene: HGSNAT (heparan-alpha-glucosaminide N-acetyltransferase; plus strand). Cytogenetic location: 8p11.21.
Variant type: single nucleotide variant.
Coding change: c.1727-3A>C on transcript NM_152419.3 (MANE Select); 3 bases into the intron before coding-DNA position 1727, A replaced by C.
Molecular consequence: intron variant.
Genome position (GRCh38, 1-based): chr8:43,199,385, A>C. VCF-style: chr8-43199385-A-C. GRCh37 (hg19) VCF-style: chr8-43054528-A-C.
Other names: c.1814-3A>C (NM_001363227.2); c.863-3A>C (NM_001363229.2); c.1535-3A>C (NM_001363228.2).
Identifiers: ClinVar variation 2417553 (VCV002417553.6), dbSNP rs2487125582, ClinGen allele CA2580078520.

ClinVar aggregate classification (germline): Uncertain significance (1 of 4 stars; one submission).

Conditions:
Retinitis pigmentosa 73 (RP73). Identifiers: Orphanet 791, MedGen C4225287, MONDO:0014687, OMIM 616544.
Mucopolysaccharidosis, MPS-III-C (MPS3C). Also called: SANFILIPPO SYNDROME C; MPS IIIC (Sanfilippo Syndrome Type C); MPS III C; Mucopolysaccharidosis type IIIC (Sanfilippo C); MUCOPOLYSACCHARIDOSIS, TYPE IIIC; mucopolysaccharidosis type 3C. Identifiers: Orphanet 581, Orphanet 79271, MedGen C0086649, MONDO:0009657, OMIM 252930.

Allele frequency attached by ClinVar (database versions not stated): gnomAD exomes below 0.00001.
gnomAD v4.1: 1 of 1,578,902 alleles (0.000063%); highest among the groups gnomAD compares: Admixed American, 0.0018%; no homozygotes.

Submission:

Labcorp Genetics (formerly Invitae), Labcorp
Classification: Uncertain significance for Retinitis pigmentosa 73; Mucopolysaccharidosis, MPS-III-C. Last evaluated: 2024-09-09. Review status: criteria provided, single submitter. Criteria: Invitae Variant Classification Sherloc (09022015). Collection method: clinical testing. Allele origin: germline.
Comment: This sequence change falls in intron 17 of the HGSNAT gene. It does not directly change the encoded amino acid sequence of the HGSNAT protein. It affects a nucleotide within the consensus splice site. This variant is not present in population databases (gnomAD no frequency). This variant has not been reported in the literature in individuals affected with HGSNAT-related conditions. ClinVar contains an entry for this variant (Variation ID: 2417553). Variants that disrupt the consensus splice site are a relatively common cause of aberrant splicing (PMID: 17576681, 9536098). Algorithms developed to predict the effect of sequence changes on RNA splicing suggest that this variant is not likely to affect RNA splicing. In summary, the available evidence is currently insufficient to determine the role of this variant in disease. Therefore, it has been classified as a Variant of Uncertain Significance.

Literature cited by the submitters: PubMed 17576681; PubMed 9536098.